The following is an entry in ClinVar:

NM_014855.3(AP5Z1):c.1339A>C (p.Thr447Pro)

Gene: AP5Z1 (adaptor related protein complex 5 subunit zeta 1; plus strand). Cytogenetic location: 7p22.1.
Variant type: single nucleotide variant.
Coding change: c.1339A>C on transcript NM_014855.3 (MANE Select); coding-DNA position 1339, A replaced by C.
Protein change: p.Thr447Pro; replaces threonine 447 with proline.
Molecular consequence: missense variant. On other transcripts: non-coding transcript variant (1).
Genome position (GRCh38, 1-based): chr7:4,787,661, A>C. VCF-style: chr7-4787661-A-C. GRCh37 (hg19) VCF-style: chr7-4827292-A-C.
Other names: c.871A>C, p.Thr291Pro (NM_001364858.1); short protein forms T447P, T291P.
Identifiers: ClinVar variation 3923852 (VCV003923852.2).
Genomic context (GRCh38, chr7:4,787,661, plus strand): 5'-AGCCGTGTCCGAACCGCTGTGCTGTGCCCACAGTTCCTGGCCTGGAACAGCCCACCCCTC[A>C]CCTCCGAGTTTGTGGCGCTCCTCCCGGCCCTGGTGGACGCTGGCACAGCCCTGGAGATGC-3'
Protein context (NP_055670.1, residues 437-457): KFLAWNSPPL[Thr447Pro]SEFVALLPAL

ClinVar aggregate classification (germline): Uncertain significance. Review status: criteria provided, multiple submitters, no conflicts (2 of 4 stars). 2 submissions from 2 submitters: Uncertain significance (2). Last evaluated 2025-12-26.

Conditions:
Inborn genetic diseases. Identifiers: MedGen C0950123, MeSH D030342.
Hereditary spastic paraplegia 48. Also called: Spastic paraplegia 48; SPASTIC PARAPLEGIA 48, AUTOSOMAL RECESSIVE. Identifiers: Orphanet 306511, MedGen C3150901, MONDO:0013342, OMIM 613647.

Submissions (2):

Labcorp Genetics (formerly Invitae), Labcorp
Classification: Uncertain significance for Hereditary spastic paraplegia 48. Last evaluated: 2025-12-26. Review status: criteria provided, single submitter. Criteria: Invitae Variant Classification Sherloc (09022015). Collection method: clinical testing. Allele origin: germline.
Comment: This sequence change replaces threonine, which is neutral and polar, with proline, which is neutral and non-polar, at codon 447 of the AP5Z1 protein (p.Thr447Pro). This variant is present in population databases (no rsID available, gnomAD 0.02%). This variant has not been reported in the literature in individuals affected with AP5Z1-related conditions. ClinVar contains an entry for this variant (Variation ID: 3923852). Invitae Evidence Modeling of protein sequence and biophysical properties (such as structural, functional, and spatial information, amino acid conservation, physicochemical variation, residue mobility, and thermodynamic stability) indicates that this missense variant is not expected to disrupt AP5Z1 protein function with a negative predictive value of 80%. In summary, the available evidence is currently insufficient to determine the role of this variant in disease. Therefore, it has been classified as a Variant of Uncertain Significance.

Ambry Genetics
Classification: Uncertain significance for Inborn genetic diseases. Last evaluated: 2025-04-04. Review status: criteria provided, single submitter. Criteria: Ambry Variant Classification Scheme 2023. Collection method: clinical testing. Allele origin: germline.